The following is an entry in ClinVar:

ClinVar aggregate classification (germline): Pathogenic (1 of 4 stars; one submission).

Conditions:
Tuberous sclerosis 2 (TSC2). Identifiers: Orphanet 805, MedGen C1860707, MONDO:0013199, OMIM 613254.

Submission:

Labcorp Genetics (formerly Invitae), Labcorp
Classification: Pathogenic for Tuberous sclerosis 2. Last evaluated: 2019-03-06. Review status: criteria provided, single submitter. Criteria: Invitae Variant Classification Sherloc (09022015). Collection method: clinical testing. Allele origin: germline.
Comment: For these reasons, this variant has been classified as Pathogenic. Loss-of-function variants in TSC2 are known to be pathogenic (PMID: 10205261, 17304050). This variant has not been reported in the literature in individuals with TSC2-related conditions. This variant is not present in population databases (ExAC no frequency). This sequence change creates a premature translational stop signal (p.Arg943*) in the TSC2 gene. It is expected to result in an absent or disrupted protein product.

Literature cited by the submitters: PubMed 10205261; PubMed 17304050.

NM_000548.5(TSC2):c.2827A>T (p.Arg943Ter)

Gene: TSC2 (TSC complex subunit 2; plus strand). Cytogenetic location: 16p13.3.
Variant type: single nucleotide variant.
Coding change: c.2827A>T on transcript NM_000548.5 (MANE Select); coding-DNA position 2827, A replaced by T.
Protein change: p.Arg943Ter; replaces arginine 943 with a stop codon.
Molecular consequence: nonsense.
Genome position (GRCh38, 1-based): chr16:2,076,575, A>T. VCF-style: chr16-2076575-A-T. GRCh37 (hg19) VCF-style: chr16-2126576-A-T.
Other names: c.2680A>T, p.Arg894Ter (NM_001318829.2); c.2227A>T, p.Arg743Ter (NM_001318831.2); c.2827A>T, p.Arg943Ter (NM_001370405.1, NM_021055.3, NM_001363528.2 and 3 more transcripts); c.2860A>T, p.Arg954Ter (NM_001318832.2); c.2716A>T, p.Arg906Ter (NM_001318827.2); short protein forms R743*, R894*, R906*, R943*, R954*.
Identifiers: ClinVar variation 654223 (VCV000654223.8), dbSNP rs1596369682, ClinGen allele CA394280216.